The following is an entry in ClinVar:

NM_000179.3(MSH6):c.1607G>A (p.Ser536Asn)

Gene: MSH6 (mutS homolog 6; plus strand). Cytogenetic location: 2p16.3.
Variant type: single nucleotide variant.
Coding change: c.1607G>A on transcript NM_000179.3 (MANE Select); coding-DNA position 1607, G replaced by A.
Protein change: p.Ser536Asn; replaces serine 536 with asparagine.
Molecular consequence: missense variant.
Genome position (GRCh38, 1-based): chr2:47,799,590, G>A. VCF-style: chr2-47799590-G-A. GRCh37 (hg19) VCF-style: chr2-48026729-G-A.
Other names: c.1217G>A, p.Ser406Asn (NM_001281492.2); c.701G>A, p.Ser234Asn (NM_001281493.2, NM_001281494.2); short protein forms S536N, S406N, S234N.
Identifiers: ClinVar variation 142272 (VCV000142272.18), dbSNP rs587782352, ClinGen allele CA008866.

ClinVar aggregate classification (germline): Conflicting classifications of pathogenicity. Review status: criteria provided, conflicting classifications (1 of 4 stars). 5 submissions from 5 submitters: Uncertain significance (3); Likely benign (2). Last evaluated 2024-10-29.

Conditions:
Endometrial carcinoma. Also called: Endometrial carcinoma, somatic. Identifiers: MedGen C0476089, MONDO:0002447, OMIM 608089, HP:0012114.
Mismatch repair cancer syndrome 3. Identifiers: MedGen C5436807, MONDO:0030841, OMIM 619097.
Lynch syndrome 5 (LYNCH5). Also called: Colorectal cancer, hereditary nonpolyposis, type 5; Hereditary non-polyposis colorectal cancer, type 5. Identifiers: Orphanet 144, MedGen C1833477, MONDO:0013710, OMIM 614350. Disease mechanism: loss of function.
Hereditary nonpolyposis colorectal neoplasms. Identifiers: MedGen C0009405, MeSH D003123.
Hereditary cancer-predisposing syndrome. Also called: Neoplastic Syndromes, Hereditary; Tumor predisposition; Hereditary Cancer Syndrome; Hereditary neoplastic syndrome. Identifiers: Orphanet 140162, MedGen C0027672, MeSH D009386, MONDO:0015356.
Lynch syndrome. Identifiers: Orphanet 144, MedGen C4552100, MONDO:0005835. Disease mechanism: loss of function.

Allele frequency attached by ClinVar (database versions not stated): gnomAD exomes below 0.00001; TOPMed 0.00001.
gnomAD v4.1: 6 of 1,614,176 alleles (0.00037%); highest among the groups gnomAD compares: South Asian, 0.0011%; no homozygotes.

Submissions (5):

Ambry Genetics
Classification: Likely benign for Hereditary cancer-predisposing syndrome. Last evaluated: 2024-10-29. Review status: criteria provided, single submitter. Criteria: Ambry Variant Classification Scheme 2023. Collection method: clinical testing. Allele origin: germline.

Labcorp Genetics (formerly Invitae), Labcorp
Classification: Likely benign for Hereditary nonpolyposis colorectal neoplasms. Last evaluated: 2024-10-10. Review status: criteria provided, single submitter. Criteria: Invitae Variant Classification Sherloc (09022015). Collection method: clinical testing. Allele origin: germline.

All of Us Research Program, National Institutes of Health
Classification: Uncertain significance for Lynch syndrome. Last evaluated: 2023-05-31. Review status: criteria provided, single submitter. Criteria: ACMG Guidelines, 2015. Collection method: clinical testing. Allele origin: germline. Inheritance: Autosomal dominant inheritance. Observed: 1 variant allele, 1 heterozygote.
Comment: This study involves interpretation of variants in research participants for the purpose of population health screening. Participant phenotype was not available at the time of variant classification. Additional details can be found in publication PMID: 35346344, PMCID: PMC8962531

Department of Pathology and Laboratory Medicine, Sinai Health System
Classification: Uncertain significance for Endometrial carcinoma; Lynch syndrome 5; Mismatch repair cancer syndrome 3. Last evaluated: 2020-01-28. Review status: criteria provided, single submitter. Criteria: ACMG Guidelines, 2015. Collection method: clinical testing. Allele origin: germline. Affected: no.

Color Diagnostics, LLC DBA Color Health
Classification: Uncertain significance for Hereditary cancer-predisposing syndrome. Last evaluated: 2018-11-25. Review status: criteria provided, single submitter. Criteria: ACMG Guidelines, 2015. Collection method: clinical testing. Allele origin: germline.